The following is an entry in ClinVar:

ClinVar aggregate classification (germline): Pathogenic (1 of 4 stars; one submission).

Submission:

GeneDx
Classification: Pathogenic. Last evaluated: 2026-03-06. Review status: criteria provided, single submitter. Criteria: GeneDx Variant Classification Process June 2021. Collection method: clinical testing. Allele origin: germline.
Comment: Not observed at significant frequency in large population cohorts (gnomAD); In silico analysis supports that this missense variant has a deleterious effect on protein structure/function; This variant is associated with the following publications: (PMID: 39854231, 32381727)

NM_000346.4(SOX9):c.337A>C (p.Met113Leu)

Genes: SOX9 (SRY-box transcription factor 9; plus strand), LOC108021846 (SOX9 promoter region; plus strand). Cytogenetic location: 17q24.3.
Variant type: single nucleotide variant.
Coding change: c.337A>C on transcript NM_000346.4 (MANE Select); coding-DNA position 337, A replaced by C.
Protein change: p.Met113Leu; replaces methionine 113 with leucine.
Molecular consequence: missense variant.
Genome position (GRCh38, 1-based): chr17:72,121,728, A>C. VCF-style: chr17-72121728-A-C. GRCh37 (hg19) VCF-style: chr17-70117869-A-C.
Other names: short protein forms M113L.
Identifiers: ClinVar variation 4891508 (VCV004891508.1).